The following is an entry in ClinVar:

NM_020800.3(IFT80):c.1126G>C (p.Val376Leu)

Genes: IFT80 (intraflagellar transport 80; minus strand), TRIM59-IFT80 (TRIM59-IFT80 readthrough (NMD candidate); minus strand). Cytogenetic location: 3q25.33.
Variant type: single nucleotide variant.
Coding change: c.1126G>C on transcript NM_020800.3 (MANE Select); coding-DNA position 1126, G replaced by C.
Protein change: p.Val376Leu; replaces valine 376 with leucine.
Molecular consequence: missense variant. On other transcripts: non-coding transcript variant (3).
Genome position (GRCh38, 1-based): chr3:160,303,940, C>G on the plus strand (G>C on the coding strand, the complement: IFT80 is on the minus strand). VCF-style: chr3-160303940-C-G. GRCh37 (hg19) VCF-style: chr3-160021728-C-G.
Other names: c.715G>C, p.Val239Leu (NM_001190241.2, NM_001190242.2); short protein forms V376L, V239L.
Identifiers: ClinVar variation 343971 (VCV000343971.12), dbSNP rs753617262, ClinGen allele CA2685250.

ClinVar aggregate classification (germline): Uncertain significance. Review status: criteria provided, multiple submitters, no conflicts (2 of 4 stars). 3 submissions from 3 submitters: Uncertain significance (3). Last evaluated 2022-05-20.

Conditions:
Jeune thoracic dystrophy. Also called: Jeune syndrome; Infantile thoracic dystrophy; Thoracic pelvic phalangeal dystrophy; Jeune's syndrome; Chondroectodermal dysplasia-like syndrome; Short-rib thoracic dysplasia. Identifiers: Orphanet 474, MedGen C0265275, MONDO:0018770.
Asphyxiating thoracic dystrophy 2 (SRTD2). Also called: SHORT-RIB THORACIC DYSPLASIA 2 WITH OR WITHOUT POLYDACTYLY; SHORT-RIB THORACIC DYSPLASIA 2 WITH POLYDACTYLY; SHORT-RIB THORACIC DYSPLASIA 2 WITHOUT POLYDACTYLY. Identifiers: Orphanet 474, MedGen C1970005, MONDO:0012644, OMIM 611263.

Allele frequency attached by ClinVar (database versions not stated): gnomAD 0.00005; TOPMed 0.00005.
gnomAD v4.1: 156 of 1,610,932 alleles (0.0097%); highest among the groups gnomAD compares: Non-Finnish European, 0.013%; no homozygotes.

Submissions (3):

Labcorp Genetics (formerly Invitae), Labcorp
Classification: Uncertain significance for Jeune thoracic dystrophy. Last evaluated: 2022-05-20. Review status: criteria provided, single submitter. Criteria: Invitae Variant Classification Sherloc (09022015). Collection method: clinical testing. Allele origin: germline.
Comment: This sequence change replaces valine, which is neutral and non-polar, with leucine, which is neutral and non-polar, at codon 376 of the IFT80 protein (p.Val376Leu). This variant is present in population databases (rs753617262, gnomAD 0.004%). This variant has not been reported in the literature in individuals affected with IFT80-related conditions. ClinVar contains an entry for this variant (Variation ID: 343971). Algorithms developed to predict the effect of missense changes on protein structure and function are either unavailable or do not agree on the potential impact of this missense change (SIFT: "Deleterious"; PolyPhen-2: "Possibly Damaging"; Align-GVGD: "Class C0"). In summary, the available evidence is currently insufficient to determine the role of this variant in disease. Therefore, it has been classified as a Variant of Uncertain Significance.

GeneDx
Classification: Uncertain significance. Last evaluated: 2019-04-29. Review status: criteria provided, single submitter. Criteria: GeneDx Variant Classification Process June 2021. Collection method: clinical testing. Allele origin: germline. Affected: yes.
Comment: In silico analysis, which includes protein predictors and evolutionary conservation, supports that this variant does not alter protein structure/function; Has not been previously published as pathogenic or benign to our knowledge

Illumina Laboratory Services, Illumina
Classification: Uncertain significance for Asphyxiating thoracic dystrophy 2. Last evaluated: 2018-01-12. Review status: criteria provided, single submitter. Criteria: ICSL Variant Classification Criteria 13 December 2019. Collection method: clinical testing. Allele origin: germline.